The following is an entry in ClinVar:

NM_001365308.1(BMPER):c.1745+5G>T

Gene: BMPER (BMP binding endothelial regulator; plus strand). Cytogenetic location: 7p14.3.
Variant type: single nucleotide variant.
Coding change: c.1745+5G>T on transcript NM_001365308.1 (MANE Select); 5 bases into the intron after coding-DNA position 1745, G replaced by T.
Molecular consequence: intron variant.
Genome position (GRCh38, 1-based): chr7:34,086,097, G>T. VCF-style: chr7-34086097-G-T. GRCh37 (hg19) VCF-style: chr7-34125709-G-T.
Other names: c.1745+5G>T (NM_133468.5).
Identifiers: ClinVar variation 1394174 (VCV001394174.6), dbSNP rs548825415, ClinGen allele CA454522282.

ClinVar aggregate classification (germline): Uncertain significance (1 of 4 stars; one submission).

Submission:

Labcorp Genetics (formerly Invitae), Labcorp
Classification: Uncertain significance. Last evaluated: 2021-05-09. Review status: criteria provided, single submitter. Criteria: Invitae Variant Classification Sherloc (09022015). Collection method: clinical testing. Allele origin: germline.
Comment: This sequence change falls in intron 14 of the BMPER gene. It does not directly change the encoded amino acid sequence of the BMPER protein. It affects a nucleotide within the consensus splice site of the intron. In summary, the available evidence is currently insufficient to determine the role of this variant in disease. Therefore, it has been classified as a Variant of Uncertain Significance. Nucleotide substitutions within the consensus splice site are a relatively common cause of aberrant splicing (PMID: 17576681, 9536098). Algorithms developed to predict the effect of sequence changes on RNA splicing suggest that this variant may disrupt the consensus splice site, but this prediction has not been confirmed by published transcriptional studies. This variant has not been reported in the literature in individuals with BMPER-related conditions. This variant is not present in population databases (ExAC no frequency).

Literature cited by the submitters: PubMed 17576681; PubMed 9536098.